The following is an entry in ClinVar:

NM_006363.6(SEC23B):c.1407C>G (p.His469Gln)

Gene: SEC23B (SEC23 homolog B, COPII component; plus strand). Cytogenetic location: 20p11.23.
Variant type: single nucleotide variant.
Coding change: c.1407C>G on transcript NM_006363.6 (MANE Select); coding-DNA position 1407, C replaced by G.
Protein change: p.His469Gln; replaces histidine 469 with glutamine.
Molecular consequence: missense variant.
Genome position (GRCh38, 1-based): chr20:18,542,298, C>G. VCF-style: chr20-18542298-C-G. GRCh37 (hg19) VCF-style: chr20-18522942-C-G.
Other names: c.1407C>G, p.His469Gln (NM_001172745.3, NM_032985.6, NM_032986.5); c.1353C>G, p.His451Gln (NM_001172746.3); short protein forms H451Q, H469Q.
Identifiers: ClinVar variation 2636915 (VCV002636915.1), dbSNP rs745548243, ClinGen allele CA9778353.

ClinVar aggregate classification (germline): Uncertain significance (1 of 4 stars; one submission).

Conditions:
SEC23B-related disorder. Also called: SEC23B-related condition; SEC23B-related disorders.

Allele frequency attached by ClinVar (database versions not stated): gnomAD exomes 0.00001; ExAC 0.00002; TOPMed 0.00002.
gnomAD v4.1: 3 of 1,614,106 alleles (0.00019%); highest among the groups gnomAD compares: East Asian, 0.0067%; no homozygotes.

Submission:

PreventionGenetics, part of Exact Sciences
Classification: Uncertain significance for SEC23B-related condition. Last evaluated: 2023-05-10. Review status: criteria provided, single submitter. Criteria: ACMG Guidelines, 2015. Collection method: clinical testing. Allele origin: germline.
Comment: The SEC23B c.1407C>G variant is predicted to result in the amino acid substitution p.His469Gln. To our knowledge, this variant has not been reported in the literature. This variant is reported in 0.027% of alleles in individuals of East Asian descent in gnomAD. At this time, the clinical significance of this variant is uncertain due to the absence of conclusive functional and genetic evidence.